The following is an entry in ClinVar:

ClinVar aggregate classification (germline): Uncertain significance. Review status: criteria provided, multiple submitters, no conflicts (2 of 4 stars). 2 submissions from 2 submitters: Uncertain significance (2). Last evaluated 2025-10-23.

Allele frequency attached by ClinVar (database versions not stated): TOPMed 0.00001; ExAC 0.00002; gnomAD 0.00002.
gnomAD v4.1: 15 of 1,614,008 alleles (0.00093%); highest among the groups gnomAD compares: Admixed American, 0.023%; no homozygotes.

Submissions (2):

Ambry Genetics
Classification: Uncertain significance. Last evaluated: 2025-10-23. Review status: criteria provided, single submitter. Criteria: Ambry Variant Classification Scheme 2023. Collection method: clinical testing. Allele origin: germline.

Labcorp Genetics (formerly Invitae), Labcorp
Classification: Uncertain significance. Last evaluated: 2024-10-17. Review status: criteria provided, single submitter. Criteria: Invitae Variant Classification Sherloc (09022015). Collection method: clinical testing. Allele origin: germline.
Comment: This sequence change replaces glycine, which is neutral and non-polar, with arginine, which is basic and polar, at codon 5169 of the HMCN1 protein (p.Gly5169Arg). This variant is present in population databases (rs750614060, gnomAD 0.02%). This variant has not been reported in the literature in individuals affected with HMCN1-related conditions. ClinVar contains an entry for this variant (Variation ID: 1497920). An algorithm developed to predict the effect of missense changes on protein structure and function (PolyPhen-2) suggests that this variant is likely to be disruptive. In summary, the available evidence is currently insufficient to determine the role of this variant in disease. Therefore, it has been classified as a Variant of Uncertain Significance.

NM_031935.3(HMCN1):c.15505G>C (p.Gly5169Arg)

Gene: HMCN1 (hemicentin 1; plus strand). Cytogenetic location: 1q31.1.
Variant type: single nucleotide variant.
Coding change: c.15505G>C on transcript NM_031935.3 (MANE Select); coding-DNA position 15505, G replaced by C.
Protein change: p.Gly5169Arg; replaces glycine 5169 with arginine.
Molecular consequence: missense variant.
Genome position (GRCh38, 1-based): chr1:186,166,873, G>C. VCF-style: chr1-186166873-G-C. GRCh37 (hg19) VCF-style: chr1-186136005-G-C.
Other names: c.15505G>C (NM_031935.2); short protein forms G5169R.
Identifiers: ClinVar variation 1497920 (VCV001497920.7), dbSNP rs750614060, ClinGen allele CA1295281.